The following is an entry in ClinVar:

NM_000059.4(BRCA2):c.5378A>T (p.Asn1793Ile)

Gene: BRCA2 (BRCA2 DNA repair associated; plus strand). Cytogenetic location: 13q13.1.
Variant type: single nucleotide variant.
Coding change: c.5378A>T on transcript NM_000059.4 (MANE Select); coding-DNA position 5378, A replaced by T.
Protein change: p.Asn1793Ile; replaces asparagine 1793 with isoleucine.
Molecular consequence: missense variant.
Genome position (GRCh38, 1-based): chr13:32,339,733, A>T. VCF-style: chr13-32339733-A-T. GRCh37 (hg19) VCF-style: chr13-32913870-A-T.
Other names: short protein forms N1793I.
Identifiers: ClinVar variation 462377 (VCV000462377.10), dbSNP rs80358759, ClinGen allele CA387785188.

ClinVar aggregate classification (germline): Conflicting classifications of pathogenicity. Review status: criteria provided, conflicting classifications (1 of 4 stars). 2 submissions from 2 submitters: Uncertain significance (1); Likely benign (1). Last evaluated 2023-03-23.

Conditions:
Hereditary cancer-predisposing syndrome. Also called: Neoplastic Syndromes, Hereditary; Hereditary Cancer Syndrome; Hereditary neoplastic syndrome; Tumor predisposition. Identifiers: Orphanet 140162, MedGen C0027672, MeSH D009386, MONDO:0015356.
Hereditary breast ovarian cancer syndrome. Also called: Hereditary breast and ovarian cancer syndrome (HBOC); Hereditary breast and ovarian cancer syndrome; Breast and ovarian cancer; Hereditary breast and/or ovarian cancer syndrome; Hereditary breast and ovarian cancer; BRCA1- and BRCA2-Associated Hereditary Breast and Ovarian Cancer. Identifiers: Orphanet 145, MedGen C0677776, MeSH D061325, MONDO:0003582. Disease mechanism: loss of function.

Submissions (2):

University of Washington Department of Laboratory Medicine, University of Washington
Classification: Likely benign for Hereditary cancer-predisposing syndrome. Last evaluated: 2023-03-23. Review status: criteria provided, single submitter. Criteria: Dines et al. (Genet Med. 2020). Collection method: curation. Allele origin: germline.
Comment: Missense variant in a coldspot region where missense variants are very unlikely to be pathogenic (PMID:31911673).

BRCA2 exon 11 coldspot. Reclassification based on statistical prior probability.

Labcorp Genetics (formerly Invitae), Labcorp
Classification: Uncertain significance for Hereditary breast ovarian cancer syndrome. Last evaluated: 2018-03-23. Review status: criteria provided, single submitter. Criteria: Invitae Variant Classification Sherloc (09022015). Collection method: clinical testing. Allele origin: germline.
Comment: In summary, the available evidence is currently insufficient to determine the role of this variant in disease. Therefore, it has been classified as a Variant of Uncertain Significance. Algorithms developed to predict the effect of missense changes on protein structure and function output the following: SIFT: "Tolerated"; PolyPhen-2: "Benign"; Align-GVGD: "Class C0". The isoleucine amino acid residue is found in multiple mammalian species, suggesting that this missense change does not adversely affect protein function. These predictions have not been confirmed by published functional studies and their clinical significance is uncertain. This variant has not been reported in the literature in individuals with BRCA2-related disease. ClinVar contains an entry for this variant (Variation ID: 462377). This variant is not present in population databases (ExAC no frequency). This sequence change replaces asparagine with isoleucine at codon 1793 of the BRCA2 protein (p.Asn1793Ile). The asparagine residue is weakly conserved and there is a large physicochemical difference between asparagine and isoleucine.